The following is an entry in ClinVar:

ClinVar aggregate classification (germline): Uncertain significance (1 of 4 stars; one submission).

Submission:

Labcorp Genetics (formerly Invitae), Labcorp
Classification: Uncertain significance. Last evaluated: 2022-03-13. Review status: criteria provided, single submitter. Criteria: Invitae Variant Classification Sherloc (09022015). Collection method: clinical testing. Allele origin: germline.
Comment: This variant has not been reported in the literature in individuals affected with EEF2-related conditions. In summary, the available evidence is currently insufficient to determine the role of this variant in disease. Therefore, it has been classified as a Variant of Uncertain Significance. This sequence change creates a premature translational stop signal (p.Gly620Alafs*115) in the EEF2 gene. It is expected to result in an absent or disrupted protein product. However, the current clinical and genetic evidence is not sufficient to establish whether loss-of-function variants in EEF2 cause disease. This variant is not present in population databases (gnomAD no frequency).

NM_001961.4(EEF2):c.1859del (p.Gly620fs)

Gene: EEF2 (eukaryotic translation elongation factor 2; minus strand). Cytogenetic location: 19p13.3.
Variant type: Deletion.
Coding change: c.1859del on transcript NM_001961.4 (MANE Select); coding-DNA position 1859, one base deleted (G; older notation c.1859delG).
Protein change: p.Gly620fs; shifts the reading frame from glycine 620.
Molecular consequence: frameshift variant.
Genome position (GRCh38, 1-based): chr19:3,978,027, C deleted on the plus strand (G on the coding strand, the reverse complement: EEF2 is on the minus strand); the first of 2 consecutive C bases (chr19:3,978,027-3,978,028); deleting either gives the same sequence. VCF-style (leftmost placement, unchanged base first): chr19-3978026-GC-G. GRCh37 (hg19) VCF-style: chr19-3978024-GC-G.
Other names: short protein forms G620fs.
Identifiers: ClinVar variation 2110815 (VCV002110815.4), dbSNP rs2512199758, ClinGen allele CA2580096972.